The following is an entry in ClinVar:

NM_006230.4(POLD2):c.113C>A (p.Pro38His)

Gene: POLD2 (DNA polymerase delta 2, accessory subunit; minus strand). Cytogenetic location: 7p13.
Variant type: single nucleotide variant.
Coding change: c.113C>A on transcript NM_006230.4 (MANE Select); coding-DNA position 113, C replaced by A.
Protein change: p.Pro38His; replaces proline 38 with histidine.
Molecular consequence: missense variant.
Genome position (GRCh38, 1-based): chr7:44,121,941, G>T on the plus strand (C>A on the coding strand, the complement: POLD2 is on the minus strand). VCF-style: chr7-44121941-G-T. GRCh37 (hg19) VCF-style: chr7-44161540-G-T.
Other names: c.113C>A, p.Pro38His (NM_001127218.3, NM_001256879.2); short protein forms P38H.
Identifiers: ClinVar variation 3935597 (VCV003935597.2).

ClinVar aggregate classification (germline): Uncertain significance. Review status: criteria provided, multiple submitters, no conflicts (2 of 4 stars). 2 submissions from 2 submitters: Uncertain significance (2). Last evaluated 2025-06-10.

gnomAD v4.1: 25 of 1,613,802 alleles (0.0015%); highest among the groups gnomAD compares: Non-Finnish European, 0.0021%; no homozygotes.

Submissions (2):

Labcorp Genetics (formerly Invitae), Labcorp
Classification: Uncertain significance. Last evaluated: 2025-06-10. Review status: criteria provided, single submitter. Criteria: Invitae Variant Classification Sherloc (09022015). Collection method: clinical testing. Allele origin: germline.
Comment: This sequence change replaces proline, which is neutral and non-polar, with histidine, which is basic and polar, at codon 73 of the POLD2 protein (p.Pro73His). This variant is present in population databases (no rsID available, gnomAD 0.0009%). This variant has not been reported in the literature in individuals affected with POLD2-related conditions. Experimental studies and prediction algorithms are not available or were not evaluated, and the functional significance of this variant is currently unknown. In summary, the available evidence is currently insufficient to determine the role of this variant in disease. Therefore, it has been classified as a Variant of Uncertain Significance.

Ambry Genetics
Classification: Uncertain significance. Last evaluated: 2025-03-25. Review status: criteria provided, single submitter. Criteria: Ambry Variant Classification Scheme 2023. Collection method: clinical testing. Allele origin: germline.